The following is an entry in ClinVar:

ClinVar aggregate classification (germline): Uncertain significance (1 of 4 stars; one submission).

gnomAD v4.1: 4 of 1,596,742 alleles (0.00025%); highest among the groups gnomAD compares: Non-Finnish European, 0.00034%; no homozygotes.

Submission:

Ambry Genetics
Classification: Uncertain significance. Last evaluated: 2025-08-01. Review status: criteria provided, single submitter. Criteria: Ambry Variant Classification Scheme 2023. Collection method: clinical testing. Allele origin: germline.
Comment: The p.G198E variant (also known as c.593G>A), located in coding exon 3 of the GFI1 gene, results from a G to A substitution at nucleotide position 593. The glycine at codon 198 is replaced by glutamic acid, an amino acid with similar properties. This amino acid position is conserved. In addition, this alteration is predicted to be tolerated by in silico analysis. Based on the available evidence, the clinical significance of this variant remains unclear.

NM_005263.5(GFI1):c.593G>A (p.Gly198Glu)

Gene: GFI1 (growth factor independent 1 transcriptional repressor; minus strand). Cytogenetic location: 1p22.1.
Variant type: single nucleotide variant.
Coding change: c.593G>A on transcript NM_005263.5 (MANE Select); coding-DNA position 593, G replaced by A.
Protein change: p.Gly198Glu; replaces glycine 198 with glutamic acid.
Molecular consequence: missense variant.
Genome position (GRCh38, 1-based): chr1:92,480,794, C>T on the plus strand (G>A on the coding strand, the complement: GFI1 is on the minus strand). VCF-style: chr1-92480794-C-T. GRCh37 (hg19) VCF-style: chr1-92946351-C-T.
Other names: c.593G>A, p.Gly198Glu (NM_001127215.3, NM_001127216.3); short protein forms G198E.
Identifiers: ClinVar variation 4263222 (VCV004263222.1).